The following is an entry in ClinVar:

NM_001166108.2(PALLD):c.1844C>T (p.Pro615Leu)

Gene: PALLD (palladin, cytoskeletal associated protein; plus strand). Cytogenetic location: 4q32.3.
Variant type: single nucleotide variant.
Coding change: c.1844C>T on transcript NM_001166108.2 (MANE Select); coding-DNA position 1844, C replaced by T.
Protein change: p.Pro615Leu; replaces proline 615 with leucine.
Molecular consequence: missense variant.
Genome position (GRCh38, 1-based): chr4:168,711,803, C>T. VCF-style: chr4-168711803-C-T. GRCh37 (hg19) VCF-style: chr4-169632954-C-T.
Other names: c.698C>T, p.Pro233Leu (NM_001166109.2); c.1844C>T, p.Pro615Leu (NM_016081.4); short protein forms P233L, P615L.
Identifiers: ClinVar variation 1781212 (VCV001781212.2), dbSNP rs2531856741, ClinGen allele CA358798461.

ClinVar aggregate classification (germline): Uncertain significance (1 of 4 stars; one submission).

Allele frequency attached by ClinVar (database versions not stated): gnomAD exomes below 0.00001.
gnomAD v4.1: 1 of 1,614,026 alleles (0.000062%); highest among the groups gnomAD compares: Non-Finnish European, 0.000085%; no homozygotes.

Submission:

Ambry Genetics
Classification: Uncertain significance. Last evaluated: 2022-03-19. Review status: criteria provided, single submitter. Criteria: Ambry Variant Classification Scheme 2023. Collection method: clinical testing. Allele origin: germline.
Comment: The p.P615L variant (also known as c.1844C>T), located in coding exon 9 of the PALLD gene, results from a C to T substitution at nucleotide position 1844. The proline at codon 615 is replaced by leucine, an amino acid with similar properties. This amino acid position is conserved. In addition, this alteration is predicted to be tolerated by in silico analysis. Since supporting evidence is limited at this time, the clinical significance of this alteration remains unclear.